The following is an entry in ClinVar:

ClinVar aggregate classification (germline): Likely benign (1 of 4 stars; one submission).

Allele frequency attached by ClinVar (database versions not stated): ExAC 0.00007; gnomAD exomes 0.00009; gnomAD 0.00011; TOPMed 0.00012; 1000 Genomes Project 30x 0.00031.
gnomAD v4.1: 153 of 1,613,944 alleles (0.0095%); highest among the groups gnomAD compares: Non-Finnish European, 0.0072%; no homozygotes.

Submission:

CeGaT Center for Human Genetics Tuebingen
Classification: Likely benign. Last evaluated: 2023-03-01. Review status: criteria provided, single submitter. Criteria: CeGaT Center For Human Genetics Tuebingen Variant Classification Criteria Version 2. Collection method: clinical testing. Allele origin: germline. Affected: yes. Observed: 1 variant allele.
Comment: DOCK9: BP4, BP7

NM_001366683.2(DOCK9):c.4839C>T (p.Asn1613=)

Gene: DOCK9 (dedicator of cytokinesis 9; minus strand). Cytogenetic location: 13q32.3.
Variant type: single nucleotide variant.
Coding change: c.4839C>T on transcript NM_001366683.2 (MANE Select); coding-DNA position 4839, C replaced by T.
Protein change: p.Asn1613=; no amino-acid change (asparagine 1613 retained).
Molecular consequence: synonymous variant.
Genome position (GRCh38, 1-based): chr13:98,829,433, G>A on the plus strand (C>T on the coding strand, the complement: DOCK9 is on the minus strand). VCF-style: chr13-98829433-G-A. GRCh37 (hg19) VCF-style: chr13-99481687-G-A.
Other names: c.4770C>T, p.Asn1590= (NM_001130048.2); c.4773C>T, p.Asn1591= (NM_001318849.2, NM_015296.3); c.4806C>T, p.Asn1602= (NM_001366676.2, NM_001366678.2); c.4782C>T, p.Asn1594= (NM_001366677.2); c.4746C>T, p.Asn1582= (NM_001366679.2, NM_001366680.2); c.4839C>T, p.Asn1613= (NM_001366681.2, NM_001366682.2, NM_001366684.2).
Identifiers: ClinVar variation 2643886 (VCV002643886.24), dbSNP rs761564074, ClinGen allele CA7029081.